The following is an entry in ClinVar:

ClinVar aggregate classification (germline): Benign/Likely benign. Review status: criteria provided, multiple submitters, no conflicts (2 of 4 stars). 4 submissions from 4 submitters: Benign (3); Likely benign (1). Last evaluated 2026-02-01.

Allele frequency attached by ClinVar (database versions not stated): gnomAD exomes 0.00762; ExAC 0.00769; gnomAD 0.00777; 1000 Genomes Project 0.00799; TOPMed 0.00833; 1000 Genomes Project 30x 0.00859; ESP Exome Variant Server 0.00912.
gnomAD v4.1: 15,812 of 1,612,322 alleles (0.98%); highest among the groups gnomAD compares: Non-Finnish European, 1.2%; 118 homozygotes.

Submissions (4):

Labcorp Genetics (formerly Invitae), Labcorp
Classification: Benign. Last evaluated: 2026-02-01. Review status: criteria provided, single submitter. Criteria: Invitae Variant Classification Sherloc (09022015). Collection method: clinical testing. Allele origin: germline.

CeGaT Center for Human Genetics Tuebingen
Classification: Benign. Last evaluated: 2025-10-01. Review status: criteria provided, single submitter. Criteria: CeGaT Center For Human Genetics Tuebingen Variant Classification Criteria Version 2. Collection method: clinical testing. Allele origin: germline. Affected: yes. Observed: 6 variant alleles.
Comment: FAT1: BP4, BP7, BS1, BS2

Blueprint Genetics
Classification: Likely benign. Last evaluated: 2024-11-26. Review status: criteria provided, single submitter. Criteria: ACMG Guidelines, 2015. Collection method: clinical testing. Allele origin: germline.

Breakthrough Genomics
Classification: Benign. Review status: criteria provided, single submitter. Criteria: ACMG Guidelines, 2015. Collection method: not provided. Allele origin: germline. Inheritance: Unknown mechanism. Affected: yes.

NM_005245.4(FAT1):c.10260A>G (p.Arg3420=)

Gene: FAT1 (FAT atypical cadherin 1; minus strand). Cytogenetic location: 4q35.2.
Variant type: single nucleotide variant.
Coding change: c.10260A>G on transcript NM_005245.4 (MANE Select); coding-DNA position 10260, A replaced by G.
Protein change: p.Arg3420=; no amino-acid change (arginine 3420 retained).
Molecular consequence: synonymous variant.
Genome position (GRCh38, 1-based): chr4:186,606,160, T>C on the plus strand (A>G on the coding strand, the complement: FAT1 is on the minus strand). VCF-style: chr4-186606160-T-C. GRCh37 (hg19) VCF-style: chr4-187527314-T-C.
Identifiers: ClinVar variation 767986 (VCV000767986.35), dbSNP rs74424517, ClinGen allele CA3165416.